The following is an entry in ClinVar:

NM_001127222.2(CACNA1A):c.3693-107G>A

Gene: CACNA1A (calcium voltage-gated channel subunit alpha1 A; minus strand). Cytogenetic location: 19p13.13.
Variant type: single nucleotide variant.
Coding change: c.3693-107G>A on transcript NM_001127222.2 (MANE Select); 107 bases into the intron before coding-DNA position 3693, G replaced by A.
Molecular consequence: intron variant.
Genome position (GRCh38, 1-based): chr19:13,283,503, C>T on the plus strand (G>A on the coding strand, the complement: CACNA1A is on the minus strand). VCF-style: chr19-13283503-C-T. GRCh37 (hg19) VCF-style: chr19-13394317-C-T.
Other names: c.3696-107G>A (NM_001127221.2, NM_001174080.2); c.3705-107G>A (NM_000068.4, NM_023035.3).
Identifiers: ClinVar variation 677308 (VCV000677308.2), dbSNP rs78545770, ClinGen allele CA305562379.
Genomic context (GRCh38, chr19:13,283,503, plus strand): 5'-TCACAAACCCTTTTCTTCCATAATCTCATGTTACCTACCACTACTGAGATCTCCAACCCC[C>T]AAGGCCTCCTACACAACAAACTATTAAACTCCTCCAGGTGGGGGCCCTCTCTGGGTCCTG-3'

ClinVar aggregate classification (germline): Benign. Review status: criteria provided, multiple submitters, no conflicts (2 of 4 stars). 2 submissions from 2 submitters: Benign (2). Last evaluated 2018-06-14.

Allele frequency attached by ClinVar (database versions not stated): gnomAD 0.02931 and 0.03186; 1000 Genomes Project 0.03075; TOPMed 0.03362; 1000 Genomes Project 30x 0.03404.
gnomAD v4.1: 9,377 of 1,419,086 alleles (0.66%); highest among the groups gnomAD compares: African/African-American, 9.9%; 366 homozygotes.

Submissions (2):

GeneDx
Classification: Benign. Last evaluated: 2018-06-14. Review status: criteria provided, single submitter. Criteria: GeneDx Variant Classification (06012015). Collection method: clinical testing. Allele origin: germline. Affected: yes.
Comment: This variant is considered likely benign or benign based on one or more of the following criteria: it is a conservative change, it occurs at a poorly conserved position in the protein, it is predicted to be benign by multiple in silico algorithms, and/or has population frequency not consistent with disease.

Breakthrough Genomics
Classification: Benign. Review status: criteria provided, single submitter. Criteria: ACMG Guidelines, 2015. Collection method: not provided. Allele origin: germline. Inheritance: Autosomal dominant inheritance. Affected: yes.